The following is an entry in ClinVar:

NC_000003.12:g.169764856G>A

Genes: TERC (telomerase RNA component; minus strand), LOC110806306 (telomerase RNA component (TERC) promoter; plus strand). Cytogenetic location: 3q26.2.
Variant type: single nucleotide variant.
Genome position: GRCh38 VCF-style: chr3-169764856-G-A. GRCh37 (hg19) VCF-style: chr3-169482644-G-A.
Identifiers: ClinVar variation 575755 (VCV000575755.11), dbSNP rs1192146620, ClinGen allele CA436715417.

ClinVar aggregate classification (germline): Uncertain significance (1 of 4 stars; one submission).

Conditions:
Dyskeratosis congenita, autosomal dominant 1 (DKCA1). Also called: Dyskeratosis congenita Scoggins type. Identifiers: Orphanet 1775, MedGen C4551974, MONDO:0007485, OMIM 127550. Inheritance: Variable.

Allele frequency attached by ClinVar (database versions not stated): gnomAD exomes 0.00001; gnomAD 0.00002; TOPMed 0.00002.
gnomAD v4.1: 11 of 752,020 alleles (0.0015%); highest among the groups gnomAD compares: Non-Finnish European, 0.0022%; no homozygotes.

Submission:

Labcorp Genetics (formerly Invitae), Labcorp
Classification: Uncertain significance for Dyskeratosis congenita, autosomal dominant 1. Last evaluated: 2025-11-02. Review status: criteria provided, single submitter. Criteria: Invitae Variant Classification Sherloc (09022015). Collection method: clinical testing. Allele origin: germline.
Comment: This variant occurs in the TERC gene, which encodes an RNA molecule that does not result in a protein product. The frequency data for this variant in the population databases is considered unreliable, as metrics indicate poor data quality at this position in the gnomAD database. This variant has been observed in individual(s) with dyskeratosis congenita who also had a homozygous TERT variant (PMID: 26024875). ClinVar contains an entry for this variant (Variation ID: 575755). Algorithms developed to predict the effect of variants on gene product structure and function are not available or were not evaluated for this variant. Experimental studies have shown that this variant affects TERC function (PMID: 26024875). In summary, the available evidence is currently insufficient to determine the role of this variant in disease. Therefore, it has been classified as a Variant of Uncertain Significance.

Literature cited by the submitters: PubMed 26024875.